The following is an entry in ClinVar:

ClinVar aggregate classification (germline): Uncertain significance. Review status: criteria provided, multiple submitters, no conflicts (2 of 4 stars). 2 submissions from 2 submitters: Uncertain significance (2). Last evaluated 2023-05-25.

Allele frequency attached by ClinVar (database versions not stated): gnomAD 0.00001; TOPMed 0.00001; gnomAD exomes 0.00003; ExAC 0.00008; 1000 Genomes Project 30x 0.00016; 1000 Genomes Project 0.00020.

Submissions (2):

Labcorp Genetics (formerly Invitae), Labcorp
Classification: Uncertain significance. Last evaluated: 2023-05-25. Review status: criteria provided, single submitter. Criteria: Invitae Variant Classification Sherloc (09022015). Collection method: clinical testing. Allele origin: germline.
Comment: In summary, the available evidence is currently insufficient to determine the role of this variant in disease. Therefore, it has been classified as a Variant of Uncertain Significance. An algorithm developed to predict the effect of missense changes on protein structure and function (PolyPhen-2) suggests that this variant is likely to be tolerated. This variant has not been reported in the literature in individuals affected with PLD3-related conditions. This variant is present in population databases (rs541278918, gnomAD 0.05%). This sequence change replaces arginine, which is basic and polar, with glutamine, which is neutral and polar, at codon 457 of the PLD3 protein (p.Arg457Gln).

Ambry Genetics
Classification: Uncertain significance. Last evaluated: 2023-05-17. Review status: criteria provided, single submitter. Criteria: Ambry Variant Classification Scheme 2023. Collection method: clinical testing. Allele origin: germline.

NM_012268.4(PLD3):c.1370G>A (p.Arg457Gln)

Gene: PLD3 (phospholipase D family member 3; plus strand). Cytogenetic location: 19q13.2.
Variant type: single nucleotide variant.
Coding change: c.1370G>A on transcript NM_012268.4 (MANE Select); coding-DNA position 1370, G replaced by A.
Protein change: p.Arg457Gln; replaces arginine 457 with glutamine.
Molecular consequence: missense variant.
Genome position (GRCh38, 1-based): chr19:40,378,070, G>A. VCF-style: chr19-40378070-G-A. GRCh37 (hg19) VCF-style: chr19-40883977-G-A.
Other names: c.1370G>A, p.Arg457Gln (NM_001031696.4, NM_001291311.2); short protein forms R457Q.
Identifiers: ClinVar variation 2518448 (VCV002518448.5), dbSNP rs541278918, ClinGen allele CA9443042.